The following is an entry in ClinVar:

NM_024757.5(EHMT1):c.3180+10G>A

Gene: EHMT1 (euchromatic histone lysine methyltransferase 1; plus strand). Cytogenetic location: 9q34.3.
Variant type: single nucleotide variant.
Coding change: c.3180+10G>A on transcript NM_024757.5 (MANE Select); 10 bases into the intron after coding-DNA position 3180, G replaced by A.
Molecular consequence: intron variant.
Genome position (GRCh38, 1-based): chr9:137,813,540, G>A. VCF-style: chr9-137813540-G-A. GRCh37 (hg19) VCF-style: chr9-140707992-G-A.
Other names: c.3159+10G>A (NM_001354263.2).
Identifiers: ClinVar variation 445859 (VCV000445859.47), dbSNP rs113676865, ClinGen allele CA5375186.

ClinVar aggregate classification (germline): Benign/Likely benign. Review status: criteria provided, multiple submitters, no conflicts (2 of 4 stars). 5 submissions from 5 submitters: Benign (1); Likely benign (4). Last evaluated 2026-01-28.

Conditions:
Kleefstra syndrome 1 (KLEFS1). Identifiers: Orphanet 261494, MedGen C0795833, MONDO:0027407, OMIM 610253.
Inborn genetic diseases. Identifiers: MedGen C0950123, MeSH D030342.

Allele frequency attached by ClinVar (database versions not stated): 1000 Genomes Project 0.00319; 1000 Genomes Project 30x 0.00344; TOPMed 0.00395; ESP Exome Variant Server 0.00438.
gnomAD v4.1: 1,209 of 1,613,452 alleles (0.075%); highest among the groups gnomAD compares: African/African-American, 1.3%; 8 homozygotes.

Submissions (5):

Labcorp Genetics (formerly Invitae), Labcorp
Classification: Benign for Kleefstra syndrome 1. Last evaluated: 2026-01-28. Review status: criteria provided, single submitter. Criteria: Invitae Variant Classification Sherloc (09022015). Collection method: clinical testing. Allele origin: germline.

Blueprint Genetics
Classification: Likely benign. Last evaluated: 2024-07-18. Review status: criteria provided, single submitter. Criteria: ACMG Guidelines, 2015. Collection method: clinical testing. Allele origin: germline.

CeGaT Center for Human Genetics Tuebingen
Classification: Likely benign. Last evaluated: 2023-04-01. Review status: criteria provided, single submitter. Criteria: CeGaT Center For Human Genetics Tuebingen Variant Classification Criteria Version 2. Collection method: clinical testing. Allele origin: germline. Affected: yes. Observed: 2 variant alleles.
Comment: EHMT1: BS1

Ambry Genetics
Classification: Likely benign for Inborn genetic diseases. Last evaluated: 2017-09-30. Review status: criteria provided, single submitter. Criteria: Ambry Variant Classification Scheme 2023. Collection method: clinical testing. Allele origin: germline.

Center for Pediatric Genomic Medicine, Children's Mercy Hospital and Clinics
Classification: Likely benign. Last evaluated: 2017-05-03. Review status: criteria provided, single submitter. Criteria: ACMG Guidelines, 2015. Collection method: clinical testing. Allele origin: germline.